The following is an entry in ClinVar:

ClinVar aggregate classification (germline): Pathogenic (1 of 4 stars; one submission).

Conditions:
Hereditary cancer-predisposing syndrome. Also called: Tumor predisposition; Neoplastic Syndromes, Hereditary; Hereditary neoplastic syndrome; Hereditary Cancer Syndrome. Identifiers: Orphanet 140162, MedGen C0027672, MeSH D009386, MONDO:0015356.

Submission:

Ambry Genetics
Classification: Pathogenic for Hereditary cancer-predisposing syndrome. Last evaluated: 2024-11-21. Review status: criteria provided, single submitter. Criteria: Ambry Variant Classification Scheme 2023. Collection method: clinical testing. Allele origin: germline.
Comment: The p.Y137* pathogenic mutation (also known as c.411C>G), located in coding exon 4 of the ATM gene, results from a C to G substitution at nucleotide position 411. This changes the amino acid from a tyrosine to a stop codon within coding exon 4. This alteration is expected to result in loss of function by premature protein truncation or nonsense-mediated mRNA decay. As such, this alteration is interpreted as a disease-causing mutation.

NM_000051.4(ATM):c.411C>G (p.Tyr137Ter)

Gene: ATM (ATM serine/threonine kinase; plus strand). Cytogenetic location: 11q22.3.
Variant type: single nucleotide variant.
Coding change: c.411C>G on transcript NM_000051.4 (MANE Select); coding-DNA position 411, C replaced by G.
Protein change: p.Tyr137Ter; replaces tyrosine 137 with a stop codon.
Molecular consequence: nonsense.
Genome position (GRCh38, 1-based): chr11:108,235,749, C>G. VCF-style: chr11-108235749-C-G. GRCh37 (hg19) VCF-style: chr11-108106476-C-G.
Other names: c.411C>G, p.Tyr137Ter (NM_001351834.2); short protein forms Y137*.
Identifiers: ClinVar variation 3452472 (VCV003452472.1).